The following is an entry in ClinVar:

ClinVar aggregate classification (germline): Uncertain significance (1 of 4 stars; one submission).

Allele frequency attached by ClinVar (database versions not stated): TOPMed below 0.00001; gnomAD 0.00001.
gnomAD v4.1: 1 of 1,600,942 alleles (0.000062%); highest among the groups gnomAD compares: African/African-American, 0.0013%; no homozygotes.

Submission:

Labcorp Genetics (formerly Invitae), Labcorp
Classification: Uncertain significance. Last evaluated: 2024-04-16. Review status: criteria provided, single submitter. Criteria: Invitae Variant Classification Sherloc (09022015). Collection method: clinical testing. Allele origin: germline.
Comment: This sequence change replaces aspartic acid, which is acidic and polar, with asparagine, which is neutral and polar, at codon 18 of the GHSR protein (p.Asp18Asn). This variant is not present in population databases (gnomAD no frequency). This variant has not been reported in the literature in individuals affected with GHSR-related conditions. An algorithm developed to predict the effect of missense changes on protein structure and function (PolyPhen-2) suggests that this variant is likely to be tolerated. In summary, the available evidence is currently insufficient to determine the role of this variant in disease. Therefore, it has been classified as a Variant of Uncertain Significance.

NM_198407.2(GHSR):c.52G>A (p.Asp18Asn)

Gene: GHSR (growth hormone secretagogue receptor; minus strand). Cytogenetic location: 3q26.31.
Variant type: single nucleotide variant.
Coding change: c.52G>A on transcript NM_198407.2 (MANE Select); coding-DNA position 52, G replaced by A.
Protein change: p.Asp18Asn; replaces aspartic acid 18 with asparagine.
Molecular consequence: missense variant.
Genome position (GRCh38, 1-based): chr3:172,448,362, C>T on the plus strand (G>A on the coding strand, the complement: GHSR is on the minus strand). VCF-style: chr3-172448362-C-T. GRCh37 (hg19) VCF-style: chr3-172166152-C-T.
Other names: c.52G>A, p.Asp18Asn (NM_004122.2); short protein forms D18N.
Identifiers: ClinVar variation 2975099 (VCV002975099.3), dbSNP rs746106545, ClinGen allele CA2706548.